The following is an entry in ClinVar:

NM_001042475.3(CEP85L):c.879C>T (p.Ser293=)

Gene: CEP85L (centrosomal protein 85L; minus strand). Cytogenetic location: 6q22.31.
Variant type: single nucleotide variant.
Coding change: c.879C>T on transcript NM_001042475.3 (MANE Select); coding-DNA position 879, C replaced by T.
Protein change: p.Ser293=; no amino-acid change (serine 293 retained).
Molecular consequence: synonymous variant.
Genome position (GRCh38, 1-based): chr6:118,565,670, G>A on the plus strand (C>T on the coding strand, the complement: CEP85L is on the minus strand). VCF-style: chr6-118565670-G-A. GRCh37 (hg19) VCF-style: chr6-118886833-G-A.
Other names: c.888C>T, p.Ser296= (NM_001178035.2); c.879C>T, p.Ser293= (NM_206921.3); c.888C>T (NM_001178035.1).
Identifiers: ClinVar variation 2656887 (VCV002656887.26), dbSNP rs145696727, ClinGen allele CA3978021.

ClinVar aggregate classification (germline): Likely benign. Review status: criteria provided, multiple submitters, no conflicts (2 of 4 stars). 3 submissions from 3 submitters: Likely benign (2). 1 of the submissions does not count toward it. Last evaluated 2024-11-11.

Conditions:
CEP85L-related disorder. Also called: CEP85L-related condition.

Allele frequency attached by ClinVar (database versions not stated): gnomAD 0.00043; TOPMed 0.00043; ESP Exome Variant Server 0.00062.
gnomAD v4.1: 880 of 1,614,034 alleles (0.055%); highest among the groups gnomAD compares: Middle Eastern, 0.082%; no homozygotes.

Submissions (3):

Blueprint Genetics
Classification: Likely benign. Last evaluated: 2024-11-11. Review status: criteria provided, single submitter. Criteria: ACMG Guidelines, 2015. Collection method: clinical testing. Allele origin: germline.

CeGaT Center for Human Genetics Tuebingen
Classification: Likely benign. Last evaluated: 2022-12-01. Review status: criteria provided, single submitter. Criteria: CeGaT Center For Human Genetics Tuebingen Variant Classification Criteria Version 2. Collection method: clinical testing. Allele origin: germline. Affected: yes. Observed: 1 variant allele.
Comment: CEP85L: BP4, BP7

PreventionGenetics, part of Exact Sciences
Classification: Likely benign for CEP85L-related condition. Last evaluated: 2023-03-06. Review status: no assertion criteria provided. Collection method: clinical testing. Allele origin: germline. Not counted in ClinVar's aggregate classification.
Comment: This variant is classified as likely benign based on ACMG/AMP sequence variant interpretation guidelines (Richards et al. 2015 PMID: 25741868, with internal and published modifications).